The following is an entry in ClinVar:

NM_198578.4(LRRK2):c.2264C>T (p.Pro755Leu)

Gene: LRRK2 (leucine rich repeat kinase 2; plus strand). Cytogenetic location: 12q12.
Variant type: single nucleotide variant.
Coding change: c.2264C>T on transcript NM_198578.4 (MANE Select); coding-DNA position 2264, C replaced by T.
Protein change: p.Pro755Leu; replaces proline 755 with leucine.
Molecular consequence: missense variant.
Genome position (GRCh38, 1-based): chr12:40,283,897, C>T. VCF-style: chr12-40283897-C-T. GRCh37 (hg19) VCF-style: chr12-40677699-C-T.
Other names: short protein forms P755L.
Identifiers: ClinVar variation 39148 (VCV000039148.22), dbSNP rs34410987, ClinGen allele CA343507.

ClinVar aggregate classification (germline): Benign/Likely benign. Review status: criteria provided, multiple submitters, no conflicts (2 of 4 stars). 8 submissions from 8 submitters: Benign (2); Likely benign (3). 3 of the submissions do not count toward it. Last evaluated 2025-08-17.

Conditions:
Autosomal dominant Parkinson disease 8. Also called: Parkinson disease 8, susceptibility to; LRRK2-Related Parkinson Disease; Parkinson disease 8. Identifiers: Orphanet 411602, MedGen C1846862, MONDO:0011764, OMIM 607060.
LRRK2-related disorder. Also called: LRRK2-related condition.

Allele frequency attached by ClinVar (database versions not stated): 1000 Genomes Project 0.00160; 1000 Genomes Project 30x 0.00187; gnomAD 0.00023 and 0.00027; TOPMed 0.00049; ExAC 0.00069; gnomAD exomes 0.00074.
gnomAD v4.1: 395 of 1,612,866 alleles (0.024%); highest among the groups gnomAD compares: East Asian, 0.62%; 1 homozygote.

Submissions (8):

Labcorp Genetics (formerly Invitae), Labcorp
Classification: Benign for Autosomal dominant Parkinson disease 8. Last evaluated: 2025-08-17. Review status: criteria provided, single submitter. Criteria: Invitae Variant Classification Sherloc (09022015). Collection method: clinical testing. Allele origin: germline.

Fulgent Genetics
Classification: Likely benign for Autosomal dominant Parkinson disease 8. Last evaluated: 2021-08-12. Review status: criteria provided, single submitter. Criteria: ACMG Guidelines, 2015. Collection method: clinical testing. Allele origin: unknown.

GeneDx
Classification: Benign. Last evaluated: 2021-05-05. Review status: criteria provided, single submitter. Criteria: GeneDx Variant Classification Process June 2021. Collection method: clinical testing. Allele origin: germline. Affected: yes.
Comment: This variant is associated with the following publications: (PMID: 30598256, 25558820, 30049590, 17179858, 22575234, 24488318, 22988870, 20642453)

Illumina Laboratory Services, Illumina
Classification: Likely benign for Autosomal dominant Parkinson disease 8. Last evaluated: 2017-04-28. Review status: criteria provided, single submitter. Criteria: ICSL Variant Classification Criteria 13 December 2019. Collection method: clinical testing. Allele origin: germline.
Comment: This variant was observed as part of a predisposition screen in an ostensibly healthy population. A literature search was performed for the gene, cDNA change, and amino acid change (where applicable). Publications were found based on this search. The evidence from the literature, in combination with allele frequency data from public databases where available, was sufficient to determine this variant is unlikely to cause disease. Therefore, this variant is classified as likely benign.

Breakthrough Genomics
Classification: Likely benign. Review status: criteria provided, single submitter. Criteria: ACMG Guidelines, 2015. Collection method: not provided. Allele origin: germline. Inheritance: Autosomal dominant inheritance. Affected: yes.

PreventionGenetics, part of Exact Sciences
Classification: Likely benign for LRRK2-related condition. Last evaluated: 2024-06-26. Review status: no assertion criteria provided. Collection method: clinical testing. Allele origin: germline. Not counted in ClinVar's aggregate classification.
Comment: This variant is classified as likely benign based on ACMG/AMP sequence variant interpretation guidelines (Richards et al. 2015 PMID: 25741868, with internal and published modifications).

Department of Pathology and Laboratory Medicine, Sinai Health System
Classification: Likely benign for Autosomal dominant Parkinson disease 8. Review status: no assertion criteria provided. Collection method: clinical testing. Allele origin: unknown. Affected: yes. Study: The Canadian Open Genetics Repository (COGR). Not counted in ClinVar's aggregate classification.
Comment: The LRRK2 p.P755L variant was identified in several heterozygous individuals with Parkinson's disease; however, this variant was also identified in several unaffected controls (Yuan_2016_PMID: 27653456; Tomioyama_2008_PMID: 18923807; Di Fonzo_2006_PMID: 16633828; Tan_2008_PMID: 18265005). The variant was identified in dbSNP (ID: rs34410987) and ClinVar (classified as benign by Invitae and as likely benign by Illumina). The variant was identified in control databases in 198 of 282288 chromosomes at a frequency of 0.0007014, and was observed at the highest frequency in the East Asian population in 185 of 19908 chromosomes (freq: 0.009293) (Genome Aggregation Database March 6, 2019, v2.1.1). The p.P755 residue is conserved in mammals however computational analyses (MUT Assesor, PolyPhen-2, SIFT, MutationTaster, Revel, FATHMM, MetaLR, DANN) do not suggest a high likelihood of impact to the protein; this information is not very predictive of pathogenicity. Functional studies show that this variant has similar expression levels and activity compared to wild-type (Fava_2019_PMID: 31308240). The variant occurs outside of the splicing consensus sequence and in silico or computational prediction software programs (Splice AI exome) do not predict a difference in splicing.Â¬â€ In summary, based on the above information the clinical significance of this variant cannot be determined with certainty at this time although we would lean towards a more benign role for this variant. This variant is classified as likely benign.

GeneReviews
No classification provided. Condition: Autosomal dominant Parkinson disease 8. Review status: no classification provided. Collection method: literature only. Allele origin: unknown. Not counted in ClinVar's aggregate classification.

Literature cited by the submitters: PubMed 20301387 (cited by Illumina Laboratory Services, Illumina and GeneReviews); PubMed 24488318 (cited by Illumina Laboratory Services, Illumina); PubMed 22575234 (cited by Illumina Laboratory Services, Illumina); PubMed 22988870 (cited by Illumina Laboratory Services, Illumina); PubMed 21406209 (cited by Illumina Laboratory Services, Illumina); PubMed 20642453 (cited by Illumina Laboratory Services, Illumina); PubMed 19472409 (cited by Illumina Laboratory Services, Illumina); PubMed 18923807 (cited by Illumina Laboratory Services, Illumina); PubMed 18265005 (cited by Illumina Laboratory Services, Illumina); PubMed 17482357 (cited by Illumina Laboratory Services, Illumina); PubMed 17179858 (cited by Illumina Laboratory Services, Illumina); PubMed 16633828 (cited by Illumina Laboratory Services, Illumina and GeneReviews); NCBI Bookshelf NBK1208 (cited by GeneReviews).